The following is an entry in ClinVar:

ClinVar aggregate classification (germline): Uncertain significance. Review status: criteria provided, multiple submitters, no conflicts (2 of 4 stars). 2 submissions from 2 submitters: Uncertain significance (2). Last evaluated 2025-09-01.

Conditions:
Hereditary cancer-predisposing syndrome. Also called: Neoplastic Syndromes, Hereditary; Hereditary Cancer Syndrome; Hereditary neoplastic syndrome; Tumor predisposition. Identifiers: Orphanet 140162, MedGen C0027672, MeSH D009386, MONDO:0015356.
Ataxia-telangiectasia syndrome (AT). Also called: ATAXIA-TELANGIECTASIA, COMPLEMENTATION GROUP A; ATAXIA-TELANGIECTASIA, FRESNO VARIANT; Ataxia-telangiectasia, complementation group E; Ataxia telangiectasia (A-T); LOUIS-BAR SYNDROME; Cerebello-oculocutaneous telangiectasia. Identifiers: Orphanet 100, MedGen C0004135, MONDO:0008840, OMIM 208900.

Allele frequency attached by ClinVar (database versions not stated): gnomAD 0.00003.
gnomAD v4.1: 2 of 1,613,610 alleles (0.00012%); highest among the groups gnomAD compares: African/African-American, 0.0013%; no homozygotes.

Submissions (2):

Labcorp Genetics (formerly Invitae), Labcorp
Classification: Uncertain significance for Ataxia-telangiectasia syndrome. Last evaluated: 2025-09-01. Review status: criteria provided, single submitter. Criteria: Invitae Variant Classification Sherloc (09022015). Collection method: clinical testing. Allele origin: germline.
Comment: This sequence change replaces glutamine, which is neutral and polar, with glutamic acid, which is acidic and polar, at codon 201 of the ATM protein (p.Gln201Glu). This variant is not present in population databases (gnomAD no frequency). This variant has not been reported in the literature in individuals affected with ATM-related conditions. ClinVar contains an entry for this variant (Variation ID: 826138). Invitae Evidence Modeling of protein sequence and biophysical properties (such as structural, functional, and spatial information, amino acid conservation, physicochemical variation, residue mobility, and thermodynamic stability) indicates that this missense variant is not expected to disrupt ATM protein function with a negative predictive value of 95%. In summary, the available evidence is currently insufficient to determine the role of this variant in disease. Therefore, it has been classified as a Variant of Uncertain Significance.

Ambry Genetics
Classification: Uncertain significance for Hereditary cancer-predisposing syndrome. Last evaluated: 2024-04-20. Review status: criteria provided, single submitter. Criteria: Ambry Variant Classification Scheme 2023. Collection method: clinical testing. Allele origin: germline.
Comment: The p.Q201E variant (also known as c.601C>G), located in coding exon 5 of the ATM gene, results from a C to G substitution at nucleotide position 601. The glutamine at codon 201 is replaced by glutamic acid, an amino acid with highly similar properties. This amino acid position is highly conserved in available vertebrate species. In addition, this alteration is predicted to be tolerated by in silico analysis. Since supporting evidence is limited at this time, the clinical significance of this alteration remains unclear.

NM_000051.4(ATM):c.601C>G (p.Gln201Glu)

Gene: ATM (ATM serine/threonine kinase; plus strand). Cytogenetic location: 11q22.3.
Variant type: single nucleotide variant.
Coding change: c.601C>G on transcript NM_000051.4 (MANE Select); coding-DNA position 601, C replaced by G.
Protein change: p.Gln201Glu; replaces glutamine 201 with glutamic acid.
Molecular consequence: missense variant.
Genome position (GRCh38, 1-based): chr11:108,244,057, C>G. VCF-style: chr11-108244057-C-G. GRCh37 (hg19) VCF-style: chr11-108114784-C-G.
Other names: c.601C>G, p.Gln201Glu (NM_001351834.2); short protein forms Q201E.
Identifiers: ClinVar variation 826138 (VCV000826138.15), dbSNP rs886039666, ClinGen allele CA382528098.